The following is an entry in ClinVar:

ClinVar aggregate classification (germline): Likely benign. Review status: criteria provided, multiple submitters, no conflicts (2 of 4 stars). 3 submissions from 3 submitters: Likely benign (2). 1 of the submissions does not count toward it. Last evaluated 2026-05-01.

Conditions:
TFAP2A-related disorder. Also called: TFAP2A-related condition.

Allele frequency attached by ClinVar (database versions not stated): ExAC 0.00234; 1000 Genomes Project 30x 0.00109; gnomAD 0.00242; 1000 Genomes Project 0.00140; ESP Exome Variant Server 0.00247; TOPMed 0.00226.
gnomAD v4.1: 4,966 of 1,614,108 alleles (0.31%); highest among the groups gnomAD compares: Non-Finnish European, 0.32%; 15 homozygotes.

Submissions (3):

CeGaT Center for Human Genetics Tuebingen
Classification: Likely benign. Last evaluated: 2026-05-01. Review status: criteria provided, single submitter. Criteria: CeGaT Center For Human Genetics Tuebingen Variant Classification Criteria Version 2. Collection method: clinical testing. Allele origin: germline. Affected: yes. Observed: 6 variant alleles.
Comment: TFAP2A: BP4, BS1

Blueprint Genetics
Classification: Likely benign. Last evaluated: 2024-11-21. Review status: criteria provided, single submitter. Criteria: ACMG Guidelines, 2015. Collection method: clinical testing. Allele origin: germline.

PreventionGenetics, part of Exact Sciences
Classification: Benign for TFAP2A-related condition. Last evaluated: 2019-05-24. Review status: no assertion criteria provided. Collection method: clinical testing. Allele origin: germline. Not counted in ClinVar's aggregate classification.
Comment: This variant is classified as benign based on ACMG/AMP sequence variant interpretation guidelines (Richards et al. 2015 PMID: 25741868, with internal and published modifications).

NC_000006.12:g.10419454G>A

Gene: TFAP2A (transcription factor AP-2 alpha; minus strand). Cytogenetic location: 6p24.3.
Variant type: single nucleotide variant.
Molecular consequence: 5 prime UTR variant (on NM_001042425.3).
Genome position: GRCh38 VCF-style: chr6-10419454-G-A. GRCh37 (hg19) VCF-style: chr6-10419687-G-A.
Other names: c.-4C>T (NM_001042425.3).
Identifiers: ClinVar variation 2656220 (VCV002656220.24), dbSNP rs140181319, ClinGen allele CA3631513.